The following is an entry in ClinVar:

ClinVar aggregate classification (germline): Likely benign. Review status: criteria provided, multiple submitters, no conflicts (2 of 4 stars). 3 submissions from 3 submitters: Likely benign (3). Last evaluated 2025-12-17.

Allele frequency attached by ClinVar (database versions not stated): gnomAD exomes 0.00007 and 0.00012; ExAC 0.00012; ESP Exome Variant Server 0.00038; gnomAD 0.00040 and 0.00041; TOPMed 0.00043; 1000 Genomes Project 0.00060; 1000 Genomes Project 30x 0.00062.
gnomAD v4.1: 166 of 1,613,388 alleles (0.01%); highest among the groups gnomAD compares: African/African-American, 0.17%; 1 homozygote.

Submissions (3):

Labcorp Genetics (formerly Invitae), Labcorp
Classification: Likely benign. Last evaluated: 2025-12-17. Review status: criteria provided, single submitter. Criteria: Invitae Variant Classification Sherloc (09022015). Collection method: clinical testing. Allele origin: germline.

Blueprint Genetics
Classification: Likely benign. Last evaluated: 2024-05-28. Review status: criteria provided, single submitter. Criteria: ACMG Guidelines, 2015. Collection method: clinical testing. Allele origin: germline.

CeGaT Center for Human Genetics Tuebingen
Classification: Likely benign. Last evaluated: 2023-12-01. Review status: criteria provided, single submitter. Criteria: CeGaT Center For Human Genetics Tuebingen Variant Classification Criteria Version 2. Collection method: clinical testing. Allele origin: germline. Affected: yes. Observed: 1 variant allele.
Comment: RIPK1: BP4, BP7

NM_001354930.2(RIPK1):c.660G>A (p.Ala220=)

Gene: RIPK1 (receptor interacting serine/threonine kinase 1; plus strand). Cytogenetic location: 6p25.2.
Variant type: single nucleotide variant.
Coding change: c.660G>A on transcript NM_001354930.2 (MANE Select); coding-DNA position 660, G replaced by A.
Protein change: p.Ala220=; no amino-acid change (alanine 220 retained).
Molecular consequence: synonymous variant.
Genome position (GRCh38, 1-based): chr6:3,083,285, G>A. VCF-style: chr6-3083285-G-A. GRCh37 (hg19) VCF-style: chr6-3083519-G-A.
Other names: c.171G>A, p.Ala57= (NM_001317061.3, NM_001354932.2, NM_001354933.2 and 1 more transcripts); c.522G>A, p.Ala174= (NM_001354931.2); c.660G>A, p.Ala220= (NM_003804.6).
Identifiers: ClinVar variation 1535042 (VCV001535042.31), dbSNP rs114794680, ClinGen allele CA3618250.